The following is an entry in ClinVar:

ClinVar aggregate classification (germline): Benign. Review status: criteria provided, single submitter (1 of 4 stars). 2 submissions from 2 submitters: Benign (1). 1 of the submissions does not count toward it. Last evaluated 2025-01-11.

Conditions:
KMT2D-related disorder. Also called: KMT2D-Related Disorders.
Kabuki syndrome. Also called: NIIKAWA-KUROKI SYNDROME; Kabuki make-up syndrome. Identifiers: Orphanet 2322, MedGen C0796004, MONDO:0016512.

Allele frequency attached by ClinVar (database versions not stated): TOPMed 0.00003; gnomAD 0.00002; gnomAD exomes 0.00002; ExAC 0.00002.
gnomAD v4.1: 29 of 1,613,326 alleles (0.0018%); highest among the groups gnomAD compares: Admixed American, 0.0033%; no homozygotes.

Submissions (2):

Labcorp Genetics (formerly Invitae), Labcorp
Classification: Benign for Kabuki syndrome. Last evaluated: 2025-01-11. Review status: criteria provided, single submitter. Criteria: Invitae Variant Classification Sherloc (09022015). Collection method: clinical testing. Allele origin: germline.

PreventionGenetics, part of Exact Sciences
Classification: Likely benign for KMT2D-related condition. Last evaluated: 2023-08-21. Review status: no assertion criteria provided. Collection method: clinical testing. Allele origin: germline. Not counted in ClinVar's aggregate classification.
Comment: This variant is classified as likely benign based on ACMG/AMP sequence variant interpretation guidelines (Richards et al. 2015 PMID: 25741868, with internal and published modifications).

NM_003482.4(KMT2D):c.5374G>A (p.Val1792Ile)

Gene: KMT2D (lysine methyltransferase 2D; minus strand). Cytogenetic location: 12q13.12.
Variant type: single nucleotide variant.
Coding change: c.5374G>A on transcript NM_003482.4 (MANE Select); coding-DNA position 5374, G replaced by A.
Protein change: p.Val1792Ile; replaces valine 1792 with isoleucine.
Molecular consequence: missense variant.
Genome position (GRCh38, 1-based): chr12:49,043,728, C>T on the plus strand (G>A on the coding strand, the complement: KMT2D is on the minus strand). VCF-style: chr12-49043728-C-T. GRCh37 (hg19) VCF-style: chr12-49437511-C-T.
Other names: short protein forms V1792I.
Identifiers: ClinVar variation 2080862 (VCV002080862.6), dbSNP rs754904046, ClinGen allele CA6547553.